The following is an entry in ClinVar:

NM_001278116.2(L1CAM):c.2205G>A (p.Trp735Ter)

Gene: L1CAM (L1 cell adhesion molecule; minus strand). Cytogenetic location: Xq28.
Variant type: single nucleotide variant.
Coding change: c.2205G>A on transcript NM_001278116.2 (MANE Select); coding-DNA position 2205, G replaced by A.
Protein change: p.Trp735Ter; replaces tryptophan 735 with a stop codon.
Molecular consequence: nonsense.
Genome position (GRCh38, 1-based): chrX:153,867,057, C>T on the plus strand (G>A on the coding strand, the complement: L1CAM is on the minus strand). VCF-style: chrX-153867057-C-T. GRCh37 (hg19) VCF-style: chrX-153132512-C-T.
Other names: c.2205G>A, p.Trp735Ter (NM_000425.5, NM_024003.3); c.2190G>A, p.Trp730Ter (NM_001143963.2); short protein forms W735*, W730*.
Identifiers: ClinVar variation 429789 (VCV000429789.2), dbSNP rs1131691594, ClinGen allele CA415120975.

ClinVar aggregate classification (germline): Likely pathogenic (1 of 4 stars; one submission).

Submission:

GeneDx
Classification: Likely pathogenic. Last evaluated: 2015-10-12. Review status: criteria provided, single submitter. Criteria: GeneDx Variant Classification (06012015). Collection method: clinical testing. Allele origin: germline. Affected: yes.
Comment: The W735X variant has not been published as a pathogenic variant, nor has it been reported as a benign variant to our knowledge. The variant was not observed in approximately 6,500 individuals of European and African American ancestry in the NHLBI Exome Sequencing Project, indicating it is not a common benign variant in these populations. The W735X nonsense variant is predicted to cause loss of normal protein function either through protein truncation or nonsense-mediated mRNA decay. Therefore, this variant is likely pathogenic; however, the possibility that it is benign cannot be excluded.